The following is an entry in ClinVar:

ClinVar aggregate classification (germline): Uncertain significance (1 of 4 stars; one submission).

Conditions:
Hereditary cancer-predisposing syndrome. Also called: Neoplastic Syndromes, Hereditary; Tumor predisposition; Hereditary Cancer Syndrome; Hereditary neoplastic syndrome. Identifiers: Orphanet 140162, MedGen C0027672, MeSH D009386, MONDO:0015356.

Submission:

Ambry Genetics
Classification: Uncertain significance for Hereditary cancer-predisposing syndrome. Last evaluated: 2022-09-02. Review status: criteria provided, single submitter. Criteria: Ambry Variant Classification Scheme 2023. Collection method: clinical testing. Allele origin: germline.
Comment: The p.A1315V variant (also known as c.3944C>T), located in coding exon 25 of the ATM gene, results from a C to T substitution at nucleotide position 3944. The alanine at codon 1315 is replaced by valine, an amino acid with similar properties. This amino acid position is highly conserved in available vertebrate species. In addition, the in silico prediction for this alteration is inconclusive. Since supporting evidence is limited at this time, the clinical significance of this alteration remains unclear.

NM_000051.4(ATM):c.3944C>T (p.Ala1315Val)

Gene: ATM (ATM serine/threonine kinase; plus strand). Cytogenetic location: 11q22.3.
Variant type: single nucleotide variant.
Coding change: c.3944C>T on transcript NM_000051.4 (MANE Select); coding-DNA position 3944, C replaced by T.
Protein change: p.Ala1315Val; replaces alanine 1315 with valine.
Molecular consequence: missense variant.
Genome position (GRCh38, 1-based): chr11:108,284,424, C>T. VCF-style: chr11-108284424-C-T. GRCh37 (hg19) VCF-style: chr11-108155151-C-T.
Other names: c.3944C>T, p.Ala1315Val (NM_001351834.2); short protein forms A1315V.
Identifiers: ClinVar variation 1736374 (VCV001736374.2), dbSNP rs2135709122, ClinGen allele CA382525983.